The following is an entry in ClinVar:

ClinVar aggregate classification (germline): Likely benign. Review status: criteria provided, multiple submitters, no conflicts (2 of 4 stars). 2 submissions from 2 submitters: Likely benign (2). Last evaluated 2024-08-21.

Conditions:
Inborn genetic diseases. Identifiers: MedGen C0950123, MeSH D030342.

Allele frequency attached by ClinVar (database versions not stated): 1000 Genomes Project 30x 0.00016.
gnomAD v4.1: 645 of 1,613,508 alleles (0.04%); highest among the groups gnomAD compares: Non-Finnish European, 0.046%; no homozygotes.

Submissions (2):

Ambry Genetics
Classification: Likely benign for Inborn genetic diseases. Last evaluated: 2024-08-21. Review status: criteria provided, single submitter. Criteria: Ambry Variant Classification Scheme 2023. Collection method: clinical testing. Allele origin: germline.

CeGaT Center for Human Genetics Tuebingen
Classification: Likely benign. Last evaluated: 2024-01-01. Review status: criteria provided, single submitter. Criteria: CeGaT Center For Human Genetics Tuebingen Variant Classification Criteria Version 2. Collection method: clinical testing. Allele origin: germline. Affected: yes. Observed: 1 variant allele.
Comment: SEMA6B: BP4, BP7

NM_032108.4(SEMA6B):c.1074C>T (p.Pro358=)

Gene: SEMA6B (semaphorin 6B; minus strand). Cytogenetic location: 19p13.3.
Variant type: single nucleotide variant.
Coding change: c.1074C>T on transcript NM_032108.4 (MANE Select); coding-DNA position 1074, C replaced by T.
Protein change: p.Pro358=; no amino-acid change (proline 358 retained).
Molecular consequence: synonymous variant.
Genome position (GRCh38, 1-based): chr19:4,550,846, G>A on the plus strand (C>T on the coding strand, the complement: SEMA6B is on the minus strand). VCF-style: chr19-4550846-G-A. GRCh37 (hg19) VCF-style: chr19-4550858-G-A.
Other names: c.1074C>T (NM_032108.3).
Identifiers: ClinVar variation 3025124 (VCV003025124.23), dbSNP rs10422855, ClinGen allele CA9102628.